The following is an entry in ClinVar:

NM_001018005.2(TPM1):c.418A>C (p.Lys140Gln)

Gene: TPM1 (tropomyosin 1; plus strand). Cytogenetic location: 15q22.2.
Variant type: single nucleotide variant.
Coding change: c.418A>C on transcript NM_001018005.2 (MANE Select); coding-DNA position 418, A replaced by C.
Protein change: p.Lys140Gln; replaces lysine 140 with glutamine.
Molecular consequence: missense variant.
Genome position (GRCh38, 1-based): chr15:63,059,606, A>C. VCF-style: chr15-63059606-A-C. GRCh37 (hg19) VCF-style: chr15-63351805-A-C.
Other names: p.K140Q:AAA>CAA; c.418A>C, p.Lys140Gln (NM_000366.6, NM_001018004.2, NM_001018006.2 and 6 more transcripts); c.310A>C, p.Lys104Gln (NM_001018008.2, NM_001301289.2, NM_001330344.2 and 5 more transcripts); c.544A>C, p.Lys182Gln (NM_001365778.1); short protein forms K140Q, K182Q, K104Q.
Identifiers: ClinVar variation 181662 (VCV000181662.3), dbSNP rs730881135, ClinGen allele CA018916.

ClinVar aggregate classification (germline): Uncertain significance (1 of 4 stars; one submission).

Submission:

GeneDx
Classification: Uncertain significance. Last evaluated: 2024-05-08. Review status: criteria provided, single submitter. Criteria: GeneDx Variant Classification Process June 2021. Collection method: clinical testing. Allele origin: germline. Affected: yes.
Comment: Not observed at significant frequency in large population cohorts (gnomAD); In silico analysis supports that this missense variant has a deleterious effect on protein structure/function; Identified in an individual from a cohort with pediatric cardiomyopathy, but additional clinical information was not included (Rippert et al., 2023); This variant is associated with the following publications: (PMID: Rippert2023[article])